The following is an entry in ClinVar:

ClinVar aggregate classification (germline): Uncertain significance. Review status: criteria provided, multiple submitters, no conflicts (2 of 4 stars). 2 submissions from 2 submitters: Uncertain significance (2). Last evaluated 2025-12-26.

Submissions (2):

Labcorp Genetics (formerly Invitae), Labcorp
Classification: Uncertain significance. Last evaluated: 2025-12-26. Review status: criteria provided, single submitter. Criteria: Invitae Variant Classification Sherloc (09022015). Collection method: clinical testing. Allele origin: germline.
Comment: This sequence change replaces proline, which is neutral and non-polar, with histidine, which is basic and polar, at codon 10 of the NTRK2 protein (p.Pro10His). This variant is not present in population databases (gnomAD no frequency). This variant has not been reported in the literature in individuals affected with NTRK2-related conditions. ClinVar contains an entry for this variant (Variation ID: 2829547). An algorithm developed to predict the effect of missense changes on protein structure and function (PolyPhen-2) suggests that this variant is likely to be disruptive. In summary, the available evidence is currently insufficient to determine the role of this variant in disease. Therefore, it has been classified as a Variant of Uncertain Significance.

GeneDx
Classification: Uncertain significance. Last evaluated: 2024-03-19. Review status: criteria provided, single submitter. Criteria: GeneDx Variant Classification Process June 2021. Collection method: clinical testing. Allele origin: germline. Affected: yes.
Comment: Not observed at significant frequency in large population cohorts (gnomAD); In silico analysis supports that this missense variant does not alter protein structure/function; Has not been previously published as pathogenic or benign to our knowledge

NM_006180.6(NTRK2):c.29C>A (p.Pro10His)

Gene: NTRK2 (neurotrophic receptor tyrosine kinase 2; plus strand). Cytogenetic location: 9q21.33.
Variant type: single nucleotide variant.
Coding change: c.29C>A on transcript NM_006180.6 (MANE Select); coding-DNA position 29, C replaced by A.
Protein change: p.Pro10His; replaces proline 10 with histidine.
Molecular consequence: missense variant.
Genome position (GRCh38, 1-based): chr9:84,670,777, C>A. VCF-style: chr9-84670777-C-A. GRCh37 (hg19) VCF-style: chr9-87285692-C-A.
Other names: c.29C>A, p.Pro10His (NM_001007097.3, NM_001018064.3, NM_001018065.2 and 19 more transcripts); c.29C>A (NM_006180.3); short protein forms P10H.
Identifiers: ClinVar variation 2829547 (VCV002829547.4), dbSNP rs1432834509, ClinGen allele CA374004582.